The following is an entry in ClinVar:

ClinVar aggregate classification (germline): Likely pathogenic (1 of 4 stars; one submission).

Conditions:
Developmental and epileptic encephalopathy 94 (DEE94). Also called: Epileptic encephalopathy, childhood-onset; CHD2-Related Neurodevelopmental Disorders. Identifiers: Orphanet 1942, Orphanet 2382, MedGen C3809278, MONDO:0014150, OMIM 615369.

Submission:

Johns Hopkins Genomics, Johns Hopkins University
Classification: Likely pathogenic for Developmental and epileptic encephalopathy 94. Last evaluated: 2019-08-31. Review status: criteria provided, single submitter. Criteria: ACMG Guidelines, 2015. Collection method: clinical testing. Allele origin: germline.
Comment: This CHD2 variant is absent from large population datasets and has not been reported in ClinVar nor the literature, to our knowledge. Two bioinformatic tools queried predict that this substitution would be damaging, and the histidine residue at this position is evolutionarily conserved across all species assessed. This apparently de novo variant is considered likely pathogenic.

NM_001271.4(CHD2):c.2809C>G (p.His937Asp)

Gene: CHD2 (chromodomain helicase DNA binding protein 2; plus strand). Cytogenetic location: 15q26.1.
Variant type: single nucleotide variant.
Coding change: c.2809C>G on transcript NM_001271.4 (MANE Select); coding-DNA position 2809, C replaced by G.
Protein change: p.His937Asp; replaces histidine 937 with aspartic acid.
Molecular consequence: missense variant.
Genome position (GRCh38, 1-based): chr15:92,979,216, C>G. VCF-style: chr15-92979216-C-G. GRCh37 (hg19) VCF-style: chr15-93522446-C-G.
Other names: short protein forms H937D.
Identifiers: ClinVar variation 816666 (VCV000816666.1), dbSNP rs1596429174, ClinGen allele CA393894187.